The following is an entry in ClinVar:

NM_030962.4(SBF2):c.1929+268G>A

Genes: SBF2 (SET binding factor 2; minus strand), LOC101928008 (uncharacterized LOC101928008; plus strand). Cytogenetic location: 11p15.4.
Variant type: single nucleotide variant.
Coding change: c.1929+268G>A on transcript NM_030962.4 (MANE Select); 268 bases into the intron after coding-DNA position 1929, G replaced by A.
Molecular consequence: intron variant.
Genome position (GRCh38, 1-based): chr11:9,895,675, C>T on the plus strand (G>A on the coding strand, the complement: SBF2 is on the minus strand). VCF-style: chr11-9895675-C-T. GRCh37 (hg19) VCF-style: chr11-9917222-C-T.
Other names: c.1800+268G>A (NM_001386342.1); c.1929+268G>A (NM_001386339.1).
Identifiers: ClinVar variation 684195 (VCV000684195.1), dbSNP rs7936793, ClinGen allele CA15699890.

ClinVar aggregate classification (germline): Benign (1 of 4 stars; one submission).

Allele frequency attached by ClinVar (database versions not stated): 1000 Genomes Project 0.52436; 1000 Genomes Project 30x 0.53014; gnomAD 0.59482 and 0.60136; TOPMed 0.59677.
gnomAD v4.1: 90,147 of 151,852 alleles (59%); highest among the groups gnomAD compares: African/African-American, 66%; 27,143 homozygotes.

Submission:

GeneDx
Classification: Benign. Last evaluated: 2018-06-14. Review status: criteria provided, single submitter. Criteria: GeneDx Variant Classification (06012015). Collection method: clinical testing. Allele origin: germline. Affected: yes.
Comment: This variant is considered likely benign or benign based on one or more of the following criteria: it is a conservative change, it occurs at a poorly conserved position in the protein, it is predicted to be benign by multiple in silico algorithms, and/or has population frequency not consistent with disease.